The following is an entry in ClinVar:

NM_018706.7(DHTKD1):c.2175G>T (p.Glu725Asp)

Gene: DHTKD1 (dehydrogenase E1 and transketolase domain containing 1; plus strand). Cytogenetic location: 10p14.
Variant type: single nucleotide variant.
Coding change: c.2175G>T on transcript NM_018706.7 (MANE Select); coding-DNA position 2175, G replaced by T.
Protein change: p.Glu725Asp; replaces glutamic acid 725 with aspartic acid.
Molecular consequence: missense variant.
Genome position (GRCh38, 1-based): chr10:12,112,920, G>T. VCF-style: chr10-12112920-G-T. GRCh37 (hg19) VCF-style: chr10-12154919-G-T.
Other names: short protein forms E725D.
Identifiers: ClinVar variation 1396740 (VCV001396740.6), dbSNP rs775438065, ClinGen allele CA376013384.
Genomic context (GRCh38, chr10:12,112,920, plus strand): 5'-ATCTGAACATTCTTCTCCTTTCTTGCCACTTCTCTCCCAGATGTGTGACAGTGCGGAAGA[G>T]GGGGTGGACGGAGACACTGTGAACATGTTTGTGGTTCACCCAACAACTCCTGCACAGTAT-3'
Protein context (NP_061176.4, residues 715-735): RFLQMCDSAE[Glu725Asp]GVDGDTVNMF

ClinVar aggregate classification (germline): Uncertain significance (1 of 4 stars; one submission).

Conditions:
2-aminoadipic 2-oxoadipic aciduria (AAKAD). Also called: ALPHA-AMINOADIPIC AND ALPHA-KETOADIPIC ACIDURIA; Aminoadipic aciduria. Identifiers: Orphanet 79154, MedGen C1859817, MONDO:0008774, OMIM 204750.

gnomAD v4.1: 5 of 1,609,510 alleles (0.00031%); highest among the groups gnomAD compares: Middle Eastern, 0.016%; no homozygotes.

Submission:

Labcorp Genetics (formerly Invitae), Labcorp
Classification: Uncertain significance for 2-aminoadipic 2-oxoadipic aciduria. Last evaluated: 2022-04-25. Review status: criteria provided, single submitter. Criteria: Invitae Variant Classification Sherloc (09022015). Collection method: clinical testing. Allele origin: germline.
Comment: This sequence change replaces glutamic acid, which is acidic and polar, with aspartic acid, which is acidic and polar, at codon 725 of the DHTKD1 protein (p.Glu725Asp). This variant is not present in population databases (gnomAD no frequency). This variant has not been reported in the literature in individuals affected with DHTKD1-related conditions. Algorithms developed to predict the effect of missense changes on protein structure and function (SIFT, PolyPhen-2, Align-GVGD) all suggest that this variant is likely to be tolerated. In summary, the available evidence is currently insufficient to determine the role of this variant in disease. Therefore, it has been classified as a Variant of Uncertain Significance.